The following is an entry in ClinVar:

NM_001148.6(ANK2):c.3074G>C (p.Gly1025Ala)

Gene: ANK2 (ankyrin 2; plus strand). Cytogenetic location: 4q26.
Variant type: single nucleotide variant.
Coding change: c.3074G>C on transcript NM_001148.6 (MANE Select); coding-DNA position 3074, G replaced by C.
Protein change: p.Gly1025Ala; replaces glycine 1025 with alanine.
Molecular consequence: missense variant.
Genome position (GRCh38, 1-based): chr4:113,330,419, G>C. VCF-style: chr4-113330419-G-C. GRCh37 (hg19) VCF-style: chr4-114251575-G-C.
Other names: p.G1025A:GGC>GCC; p.Gly1025Ala; c.3047G>C, p.Gly1016Ala (NM_001127493.3); c.3086G>C, p.Gly1029Ala (NM_001354225.2); c.3074G>C, p.Gly1025Ala (NM_001354228.2, NM_001354258.2, NM_020977.5); c.3152G>C, p.Gly1051Ala (NM_001354230.2, NM_001354237.2); c.3116G>C, p.Gly1039Ala (NM_001354231.2, NM_001354242.2); c.3110G>C, p.Gly1037Ala (NM_001354232.2); and 26 more; short protein forms G1016A, G1025A, G1015A, G1024A, G1029A, G234A, G963A, G991A.
Identifiers: ClinVar variation 190562 (VCV000190562.30), dbSNP rs773532854, ClinGen allele CA300868.

ClinVar aggregate classification (germline): Conflicting classifications of pathogenicity. Review status: criteria provided, conflicting classifications (1 of 4 stars). 9 submissions from 9 submitters: Uncertain significance (5); Likely benign (4). Last evaluated 2026-04-01.

Conditions:
Cardiovascular phenotype. Identifiers: MedGen CN230736.
Long QT syndrome (LQTS). Identifiers: MedGen C0023976, MeSH D008133, MONDO:0002442. Disease mechanism: loss of function. Inheritance: Various modes of inheritance.
Cardiac arrhythmia, ankyrin-B-related. Also called: ANKYRIN-B SYNDROME. Identifiers: Orphanet 101016, Orphanet 768, MedGen C1970119, MONDO:0010958, OMIM 600919.

Allele frequency attached by ClinVar (database versions not stated): gnomAD 0.00009 and 0.00010; TOPMed 0.00013.
gnomAD v4.1: 450 of 1,614,116 alleles (0.028%); highest among the groups gnomAD compares: Non-Finnish European, 0.037%; no homozygotes.

Submissions (9):

CeGaT Center for Human Genetics Tuebingen
Classification: Likely benign. Last evaluated: 2026-04-01. Review status: criteria provided, single submitter. Criteria: CeGaT Center For Human Genetics Tuebingen Variant Classification Criteria Version 2. Collection method: clinical testing. Allele origin: germline. Affected: yes. Observed: 1 variant allele.
Comment: ANK2: BS2

Labcorp Genetics (formerly Invitae), Labcorp
Classification: Uncertain significance for Long QT syndrome. Last evaluated: 2025-12-09. Review status: criteria provided, single submitter. Criteria: Invitae Variant Classification Sherloc (09022015). Collection method: clinical testing. Allele origin: germline.
Comment: This sequence change replaces glycine, which is neutral and non-polar, with alanine, which is neutral and non-polar, at codon 1025 of the ANK2 protein (p.Gly1025Ala). This variant is present in population databases (rs773532854, gnomAD 0.04%), and has an allele count higher than expected for a pathogenic variant. This missense change has been observed in individual(s) with hypertrophic cardiomyopathy (PMID: 25351510). ClinVar contains an entry for this variant (Variation ID: 190562). Invitae Evidence Modeling of protein sequence and biophysical properties (such as structural, functional, and spatial information, amino acid conservation, physicochemical variation, residue mobility, and thermodynamic stability) indicates that this missense variant is not expected to disrupt ANK2 protein function with a negative predictive value of 80%. In summary, the available evidence is currently insufficient to determine the role of this variant in disease. Therefore, it has been classified as a Variant of Uncertain Significance.

Ambry Genetics
Classification: Likely benign for Cardiovascular phenotype. Last evaluated: 2023-08-01. Review status: criteria provided, single submitter. Criteria: Ambry Variant Classification Scheme 2023. Collection method: clinical testing. Allele origin: germline.

Blueprint Genetics
Classification: Likely benign. Last evaluated: 2022-12-30. Review status: criteria provided, single submitter. Criteria: ACMG Guidelines, 2015. Collection method: clinical testing. Allele origin: germline.

Mayo Clinic Laboratories, Mayo Clinic
Classification: Uncertain significance. Last evaluated: 2022-04-07. Review status: criteria provided, single submitter. Criteria: ACMG Guidelines, 2015. Collection method: clinical testing. Allele origin: germline. Observed: 1 variant allele.

GeneDx
Classification: Uncertain significance. Last evaluated: 2021-10-25. Review status: criteria provided, single submitter. Criteria: GeneDx Variant Classification Process June 2021. Collection method: clinical testing. Allele origin: germline. Affected: yes.
Comment: Reported in association with hypertrophic cardiomyopathy (HCM) in published literature (Lopes et al., 2015); In silico analysis supports that this missense variant has a deleterious effect on protein structure/function; Reported in ClinVar (ClinVar Variant ID#190562; Landrum et al., 2016); This variant is associated with the following publications: (PMID: 25351510, 26582918)

Women's Health and Genetics/Laboratory Corporation of America, LabCorp
Classification: Likely benign. Last evaluated: 2020-06-15. Review status: criteria provided, single submitter. Criteria: LabCorp Variant Classification Summary - May 2015. Collection method: clinical testing. Allele origin: germline.
Comment: Variant summary: ANK2 c.3074G>C (p.Gly1025Ala) results in a non-conservative amino acid change located in the ZU5 domain (IPR000906) of the encoded protein sequence. Three of five in-silico tools predict a damaging effect of the variant on protein function. The variant allele was found at a frequency of 0.00017 in 251024 control chromosomes, predominantly at a frequency of 0.00036 within the Non-Finnish European subpopulation in the gnomAD database. The observed variant frequency within Non-Finnish European control individuals in the gnomAD database is approximately 36 fold of the estimated maximal expected allele frequency for a pathogenic variant in ANK2 causing Arrhythmia phenotype (1e-05), strongly suggesting that the variant is a benign polymorphism found primarily in populations of Non-Finnish European origin. c.3074G>C has been reported in the literature in at least one individual affected with hypertrophic cardiomyopathy (Lopes_2015). This report, however, does not provide unequivocal conclusions about association of the variant with Arrhythmia. To our knowledge, no experimental evidence demonstrating an impact on protein function has been reported. Five ClinVar submitter (evaluation after 2014) cite the variant as uncertain significance. Based on the evidence outlined above, the variant was classified as likely benign.

ARUP Laboratories, Molecular Genetics and Genomics, ARUP Laboratories
Classification: Uncertain significance. Last evaluated: 2019-02-27. Review status: criteria provided, single submitter. Criteria: ARUP Molecular Germline Variant Investigation Process. Collection method: clinical testing. Allele origin: germline.
Comment: The p.Gly1025Ala variant (rs773532854) has been reported once in the medical literature in a cohort of patients with hypertrophic cardiomyopathy (Lopes 2015). This variant is listed in the Genome Aggregation Database (gnomAD) with an overall frequency of 0.04 percent in the European Non-Finnish population (identified on 46 out of 128,804 chromosomes) and has been reported to the ClinVar database (Variation ID: 190562). The glycine at position 1025 is highly conserved and computational analyses of the effects of the p.Gly1025Ala variant on protein structure and function is conflicting (SIFT: tolerated, PolyPhen-2: probably damaging). Altogether, there is not enough evidence to classify the p.Gly1025Ala variant with certainty.

Illumina Laboratory Services, Illumina
Classification: Uncertain significance for Cardiac arrhythmia, ankyrin-B-related. Last evaluated: 2018-01-12. Review status: criteria provided, single submitter. Criteria: ICSL Variant Classification Criteria 13 December 2019. Collection method: clinical testing. Allele origin: germline.

Literature cited by the submitters: PubMed 25351510 (cited by 3 submitters).